The following is an entry in ClinVar:

ClinVar aggregate classification (germline): Uncertain significance (1 of 4 stars; one submission).

Submission:

CeGaT Center for Human Genetics Tuebingen
Classification: Uncertain significance. Last evaluated: 2026-08-01. Review status: criteria provided, single submitter. Criteria: CeGaT Center For Human Genetics Tuebingen Variant Classification Criteria Version 2. Collection method: clinical testing. Allele origin: germline. Affected: yes. Observed: 1 variant allele.
Comment: DNAH9: PM2, BP4

NM_001372.4(DNAH9):c.9011A>G (p.Glu3004Gly)

Gene: DNAH9 (dynein axonemal heavy chain 9; plus strand). Cytogenetic location: 17p12.
Variant type: single nucleotide variant.
Coding change: c.9011A>G on transcript NM_001372.4 (MANE Select); coding-DNA position 9011, A replaced by G.
Protein change: p.Glu3004Gly; replaces glutamic acid 3004 with glycine.
Molecular consequence: missense variant.
Genome position (GRCh38, 1-based): chr17:11,822,598, A>G. VCF-style: chr17-11822598-A-G. GRCh37 (hg19) VCF-style: chr17-11725915-A-G.
Other names: short protein forms E3004G.
Identifiers: ClinVar variation 5040405 (VCV005040405.1).